The following is an entry in ClinVar:

NM_053274.3(GLMN):c.856A>G (p.Met286Val)

Gene: GLMN (glomulin, FKBP associated protein; minus strand). Cytogenetic location: 1p22.1.
Variant type: single nucleotide variant.
Coding change: c.856A>G on transcript NM_053274.3 (MANE Select); coding-DNA position 856, A replaced by G.
Protein change: p.Met286Val; replaces methionine 286 with valine.
Molecular consequence: missense variant. On other transcripts: non-coding transcript variant (1).
Genome position (GRCh38, 1-based): chr1:92,271,532, T>C on the plus strand (A>G on the coding strand, the complement: GLMN is on the minus strand). VCF-style: chr1-92271532-T-C. GRCh37 (hg19) VCF-style: chr1-92737089-T-C.
Other names: c.856A>G, p.Met286Val (NM_001319683.2); short protein forms M286V.
Identifiers: ClinVar variation 874606 (VCV000874606.7), dbSNP rs139743855, ClinGen allele CA950479.

ClinVar aggregate classification (germline): Conflicting classifications of pathogenicity. Review status: criteria provided, conflicting classifications (1 of 4 stars). 2 submissions from 2 submitters: Uncertain significance (1); Benign (1). Last evaluated 2025-08-04.

Conditions:
Inborn genetic diseases. Identifiers: MedGen C0950123, MeSH D030342.
Glomuvenous malformation. Also called: GLOMANGIOMAS, MULTIPLE; GLOMUS TUMORS, MULTIPLE; VENOUS MALFORMATIONS WITH GLOMUS CELLS; Familial glomangioma. Identifiers: Orphanet 83454, MedGen C1841984, MONDO:0007672, OMIM 138000.

Allele frequency attached by ClinVar (database versions not stated): TOPMed 0.00042; ESP Exome Variant Server 0.00046; gnomAD 0.00048 and 0.00049; gnomAD exomes 0.00063 and 0.00078; ExAC 0.00073.
gnomAD v4.1: 1,201 of 1,612,572 alleles (0.074%); highest among the groups gnomAD compares: Non-Finnish European, 0.09%; 3 homozygotes.

Submissions (2):

Ambry Genetics
Classification: Uncertain significance for Inborn genetic diseases. Last evaluated: 2025-08-04. Review status: criteria provided, single submitter. Criteria: Ambry Variant Classification Scheme 2023. Collection method: clinical testing. Allele origin: germline.

Illumina Laboratory Services, Illumina
Classification: Benign for Glomuvenous malformation. Last evaluated: 2018-01-13. Review status: criteria provided, single submitter. Criteria: ICSL Variant Classification Criteria 13 December 2019. Collection method: clinical testing. Allele origin: germline.
Comment: This variant was observed in the ICSL laboratory as part of a predisposition screen in an ostensibly healthy population. It had not been previously curated by ICSL or reported in the Human Gene Mutation Database (HGMD: prior to June 1st, 2018), and was therefore a candidate for classification through an automated scoring system. Utilizing variant allele frequency, disease prevalence and penetrance estimates, and inheritance mode, an automated score was calculated to assess if this variant is too frequent to cause the disease. Based on the score and internal cut-off values, a variant classified as benign is not then subjected to further curation. The score for this variant resulted in a classification of benign for this disease.